The following is an entry in ClinVar:

NM_182919.4(TICAM1):c.506C>T (p.Ser169Leu)

Gene: TICAM1 (TIR domain containing adaptor molecule 1; minus strand). Cytogenetic location: 19p13.3.
Variant type: single nucleotide variant.
Coding change: c.506C>T on transcript NM_182919.4 (MANE Select); coding-DNA position 506, C replaced by T.
Protein change: p.Ser169Leu; replaces serine 169 with leucine.
Molecular consequence: missense variant. On other transcripts: intron variant (1).
Genome position (GRCh38, 1-based): chr19:4,817,872, G>A on the plus strand (C>T on the coding strand, the complement: TICAM1 is on the minus strand). VCF-style: chr19-4817872-G-A. GRCh37 (hg19) VCF-style: chr19-4817884-G-A.
Other names: c.506C>T (NM_182919.2); c.464C>T, p.Ser155Leu (NM_001385678.1); c.371C>T, p.Ser124Leu (NM_001385679.1); c.-71-66C>T (NM_001385680.1); short protein forms S155L, S169L, S124L.
Identifiers: ClinVar variation 1438432 (VCV001438432.8), dbSNP rs373468408, ClinGen allele CA9105339.
Genomic context (GRCh38, chr19:4,817,872, plus strand): 5'-CTCCAGTCCGAAACACCGTCAATGGGGCGTGGGAGGCTCCTGGTCCCAGAGGGCAAAGCC[G>A]AGGATGGTGGGAGGCAGCCCAGATTGGACTGGAGCGTCCGGATGCTCCCTGGATCCCCAG-3'
Protein context (NP_891549.1, residues 159-179): QSNLGCLPPS[Ser169Leu]ALPSGTRSLP

ClinVar aggregate classification (germline): Uncertain significance. Review status: criteria provided, multiple submitters, no conflicts (2 of 4 stars). 2 submissions from 2 submitters: Uncertain significance (2). Last evaluated 2025-08-14.

Conditions:
Encephalopathy, acute, infection-induced (herpes-specific), susceptibility to, 6. Also called: Herpes simplex encephalitis, susceptibility to, 4. Identifiers: Orphanet 1930, MedGen C3553869, MONDO:0013921, OMIM 614850.

Allele frequency attached by ClinVar (database versions not stated): gnomAD exomes below 0.00001 and 0.00002; ExAC 0.00002; TOPMed 0.00004; gnomAD 0.00004; ESP Exome Variant Server 0.00023.
gnomAD v4.1: 12 of 1,613,450 alleles (0.00074%); highest among the groups gnomAD compares: African/African-American, 0.0093%; no homozygotes.

Submissions (2):

Ambry Genetics
Classification: Uncertain significance. Last evaluated: 2025-08-14. Review status: criteria provided, single submitter. Criteria: Ambry Variant Classification Scheme 2023. Collection method: clinical testing. Allele origin: germline.

Labcorp Genetics (formerly Invitae), Labcorp
Classification: Uncertain significance for Encephalopathy, acute, infection-induced (herpes-specific), susceptibility to, 6. Last evaluated: 2023-11-13. Review status: criteria provided, single submitter. Criteria: Invitae Variant Classification Sherloc (09022015). Collection method: clinical testing. Allele origin: germline.
Comment: This sequence change replaces serine, which is neutral and polar, with leucine, which is neutral and non-polar, at codon 169 of the TICAM1 protein (p.Ser169Leu). This variant is present in population databases (rs373468408, gnomAD 0.03%). This variant has not been reported in the literature in individuals affected with TICAM1-related conditions. ClinVar contains an entry for this variant (Variation ID: 1438432). An algorithm developed to predict the effect of missense changes on protein structure and function (PolyPhen-2) suggests that this variant¬†is likely to be tolerated. In summary, the available evidence is currently insufficient to determine the role of this variant in disease. Therefore, it has been classified as a Variant of Uncertain Significance.